The following is an entry in ClinVar:

NM_001042492.3(NF1):c.629T>G (p.Leu210Ter)

Gene: NF1 (neurofibromin 1; plus strand). Cytogenetic location: 17q11.2.
Variant type: single nucleotide variant.
Coding change: c.629T>G on transcript NM_001042492.3 (MANE Select); coding-DNA position 629, T replaced by G.
Protein change: p.Leu210Ter; replaces leucine 210 with a stop codon.
Molecular consequence: nonsense.
Genome position (GRCh38, 1-based): chr17:31,181,464, T>G. VCF-style: chr17-31181464-T-G. GRCh37 (hg19) VCF-style: chr17-29508482-T-G.
Other names: c.629T>G, p.Leu210Ter (NM_000267.4, NM_001128147.3); short protein forms L210*.
Identifiers: ClinVar variation 230444 (VCV000230444.9), dbSNP rs876658570, ClinGen allele CA10580196.
Genomic context (GRCh38, chr17:31,181,464, plus strand): 5'-AAATTGTGTTTTTTCCAGAAACAGCATTTAAATTTAAAGCCCTAAAGAAGGTTGCGCAGT[T>G]AGCAGTTATAAATAGCCTGGAAAAGGTAAGTTACAACCTCTCTGGTATTAAAATTTTGTT-3'

ClinVar aggregate classification (germline): Pathogenic. Review status: criteria provided, multiple submitters, no conflicts (2 of 4 stars). 3 submissions from 3 submitters: Pathogenic (3). Last evaluated 2024-11-11.

Conditions:
Hereditary cancer-predisposing syndrome. Also called: Hereditary Cancer Syndrome; Neoplastic Syndromes, Hereditary; Tumor predisposition; Hereditary neoplastic syndrome. Identifiers: Orphanet 140162, MedGen C0027672, MeSH D009386, MONDO:0015356.
Neurofibromatosis, type 1 (NF1). Also called: Neurofibromatosis, type I; VON RECKLINGHAUSEN DISEASE; NEUROFIBROMATOSIS, TYPE I, SOMATIC; Peripheral type neurofibromatosis. Identifiers: Orphanet 636, MedGen C0027831, MONDO:0018975, OMIM 162200. Disease mechanism: loss of function.

Submissions (3):

NHS Central & South Genomic Laboratory Hub
Classification: Pathogenic for Neurofibromatosis type 1. Last evaluated: 2024-11-11. Review status: criteria provided, single submitter. Criteria: ACMG Guidelines, 2015. Collection method: clinical testing. Allele origin: germline. Affected: yes.

Labcorp Genetics (formerly Invitae), Labcorp
Classification: Pathogenic for Neurofibromatosis, type 1. Last evaluated: 2022-05-19. Review status: criteria provided, single submitter. Criteria: Invitae Variant Classification Sherloc (09022015). Collection method: clinical testing. Allele origin: germline.
Comment: For these reasons, this variant has been classified as Pathogenic. ClinVar contains an entry for this variant (Variation ID: 230444). This variant has not been reported in the literature in individuals affected with NF1-related conditions. This variant is not present in population databases (gnomAD no frequency). This sequence change creates a premature translational stop signal (p.Leu210*) in the NF1 gene. It is expected to result in an absent or disrupted protein product. Loss-of-function variants in NF1 are known to be pathogenic (PMID: 10712197, 23913538).

Ambry Genetics
Classification: Pathogenic for Hereditary cancer-predisposing syndrome. Last evaluated: 2015-02-20. Review status: criteria provided, single submitter. Criteria: Ambry Autosomal Dominant and X-Linked criteria (10/2015). Collection method: clinical testing. Allele origin: germline. Observed: 1 variant allele.
Comment: The p.L210* pathogenic mutation (also known as c.629T>G) located in coding exon 6 of the NF1 gene, results from a T to G substitution at nucleotide position 629. This changes the amino acid from a leucine to a stop codon within coding exon 6. Since premature stop codons are typically deleterious in nature, this alteration is interpreted as a disease-causing mutation (ACMG Recommendations for Standards for Interpretation and Reporting of Sequence Variations. Revision 2007. Genet Med. 2008;10:294).

Literature cited by the submitters: PubMed 10712197 (cited by Labcorp Genetics (formerly Invitae), Labcorp); PubMed 23913538 (cited by Labcorp Genetics (formerly Invitae), Labcorp).